The following is an entry in ClinVar:

ClinVar aggregate classification (germline): Uncertain significance (1 of 4 stars; one submission).

Submission:

GeneDx
Classification: Uncertain significance. Last evaluated: 2022-02-09. Review status: criteria provided, single submitter. Criteria: GeneDx Variant Classification Process June 2021. Collection method: clinical testing. Allele origin: germline. Affected: yes.
Comment: Has not been previously published as pathogenic or benign to our knowledge; Not observed in large population cohorts (gnomAD); In silico analysis supports that this missense variant has a deleterious effect on protein structure/function

NM_001134363.3(RBM20):c.1636A>G (p.Thr546Ala)

Gene: RBM20 (RNA binding motif protein 20; plus strand). Cytogenetic location: 10q25.2.
Variant type: single nucleotide variant.
Coding change: c.1636A>G on transcript NM_001134363.3 (MANE Select); coding-DNA position 1636, A replaced by G.
Protein change: p.Thr546Ala; replaces threonine 546 with alanine.
Molecular consequence: missense variant.
Genome position (GRCh38, 1-based): chr10:110,797,616, A>G. VCF-style: chr10-110797616-A-G. GRCh37 (hg19) VCF-style: chr10-112557374-A-G.
Other names: short protein forms T546A.
Identifiers: ClinVar variation 1315475 (VCV001315475.3), dbSNP rs2135073949, ClinGen allele CA378390176.